The following is an entry in ClinVar:

NM_000466.3(PEX1):c.824_830del (p.Asn275fs)

Gene: PEX1 (peroxisomal biogenesis factor 1; minus strand). Cytogenetic location: 7q21.2.
Variant type: Deletion.
Coding change: c.824_830del on transcript NM_000466.3 (MANE Select); coding-DNA positions 824 to 830, 7 bases deleted (ATATGCA; older notation c.824_830delATATGCA).
Protein change: p.Asn275fs; shifts the reading frame from asparagine 275.
Molecular consequence: frameshift variant.
Genome position (GRCh38, 1-based): chr7:92,517,685-92,517,691, TGCATAT deleted on the plus strand (ATATGCA on the coding strand, the reverse complement: PEX1 is on the minus strand); deleting any 7 consecutive bases within chr7:92,517,685-92,517,692 gives the same sequence; the c. name uses the placement nearest the transcript's 3' end. VCF-style (leftmost placement, unchanged base first): chr7-92517684-CTGCATAT-C. GRCh37 (hg19) VCF-style: chr7-92146998-CTGCATAT-C.
Other names: c.824_830del, p.Asn275fs (NM_001282677.2); c.200_206del, p.Asn67fs (NM_001282678.2); short protein forms N275fs, N67fs.
Identifiers: ClinVar variation 5012879 (VCV005012879.1).
Genomic context (GRCh38, chr7:92,517,684, plus strand): 5'-TATACTAGGAGGTTGAGATTTGCATACTCTGAAAATATTGTCTAGAGGAACAACCTTTGA[CTGCATAT>C]TTTTGAATGCATTGATTTCAGTTAAACCCCAAGATGTCTCTTGTTTCTTCTCAGATTGAA-3'

ClinVar aggregate classification (germline): Pathogenic (1 of 4 stars; one submission).

Conditions:
Peroxisome biogenesis disorder. Identifiers: Orphanet 79189, MedGen C1832200, MONDO:0019234. Disease mechanism: loss of function.

Submission:

Myriad Genetics, Inc.
Classification: Pathogenic for Peroxisome biogenesis disorder. Last evaluated: 2024-03-30. Review status: criteria provided, single submitter. Criteria: Myriad Autosomal Dominant, Autosomal Recessive and X-Linked Classification Criteria (2023). Collection method: clinical testing. Allele origin: unknown.
Comment: NM_000466.2(PEX1):c.824_830del7(N275Sfs*7) is expected to be pathogenic in the context of peroxisome biogenesis disorder type 1. This variant is predicted to lead to an abnormal or absent protein product due to the creation of a premature termination codon in PEX1, a gene where loss-of-function variants are known to be pathogenic. Please note: this variant was assessed in the context of healthy population screening.